The following is an entry in ClinVar:

ClinVar aggregate classification (germline): Pathogenic. Review status: criteria provided, multiple submitters, no conflicts (2 of 4 stars). 2 submissions from 2 submitters: Pathogenic (2). Last evaluated 2024-05-18.

Conditions:
Macular corneal dystrophy (MCD). Also called: Macular corneal dystrophy Type I; GROENOUW TYPE II CORNEAL DYSTROPHY. Identifiers: Orphanet 98969, MedGen C1636149, MONDO:0009020, OMIM 217800.

gnomAD v4.1: 1 of 1,612,394 alleles (0.000062%); highest among the groups gnomAD compares: African/African-American, 0.0013%; no homozygotes.

Submissions (2):

Fulgent Genetics
Classification: Pathogenic for Macular corneal dystrophy. Last evaluated: 2024-05-18. Review status: criteria provided, single submitter. Criteria: ACMG Guidelines, 2015. Collection method: clinical testing. Allele origin: germline.

Women's Health and Genetics/Laboratory Corporation of America, LabCorp
Classification: Pathogenic for Macular corneal dystrophy. Last evaluated: 2024-05-14. Review status: criteria provided, single submitter. Criteria: LabCorp Variant Classification Summary - May 2015. Collection method: clinical testing. Allele origin: germline.
Comment: Variant summary: CHST6 c.158C>T (p.Ser53Leu) results in a non-conservative amino acid change located in the Sulfotransferase domain (IPR000863) of the encoded protein sequence. Five of five in-silico tools predict a damaging effect of the variant on protein function. The variant was absent in 247712 control chromosomes (gnomAD). c.158C>T has been reported in the literature in several individuals affected with Macular Corneal Dystrophy (e.g. Warren_2003, Sultana_2003, Klintworth_2006, Murugan_2017 [NO_PMID]). These data indicate that the variant is very likely to be associated with disease. To our knowledge, no experimental evidence demonstrating an impact on protein function has been reported. The following publications have been ascertained in the context of this evaluation (PMID: 14609920, 14735064, 16568029). No submitters have cited clinical-significance assessments for this variant to ClinVar. Based on the evidence outlined above, the variant was classified as pathogenic.

Literature cited by the submitters: PubMed 16568029 (cited by Women's Health and Genetics/Laboratory Corporation of America, LabCorp); PubMed 14609920 (cited by Women's Health and Genetics/Laboratory Corporation of America, LabCorp); PubMed 14735064 (cited by Women's Health and Genetics/Laboratory Corporation of America, LabCorp).

NM_021615.5(CHST6):c.158C>T (p.Ser53Leu)

Gene: CHST6 (carbohydrate sulfotransferase 6; minus strand). Cytogenetic location: 16q23.1.
Variant type: single nucleotide variant.
Coding change: c.158C>T on transcript NM_021615.5 (MANE Select); coding-DNA position 158, C replaced by T.
Protein change: p.Ser53Leu; replaces serine 53 with leucine.
Molecular consequence: missense variant.
Genome position (GRCh38, 1-based): chr16:75,479,671, G>A on the plus strand (C>T on the coding strand, the complement: CHST6 is on the minus strand). VCF-style: chr16-75479671-G-A. GRCh37 (hg19) VCF-style: chr16-75513569-G-A.
Other names: short protein forms S53L.
Identifiers: ClinVar variation 3335959 (VCV003335959.2).